The following is an entry in ClinVar:

ClinVar aggregate classification (germline): Uncertain significance. Review status: criteria provided, multiple submitters, no conflicts (2 of 4 stars). 2 submissions from 2 submitters: Uncertain significance (2). Last evaluated 2023-09-04.

Allele frequency attached by ClinVar (database versions not stated): TOPMed below 0.00001; gnomAD exomes 0.00001; ExAC 0.00002; gnomAD 0.00002.
gnomAD v4.1: 7 of 1,614,246 alleles (0.00043%); highest among the groups gnomAD compares: Middle Eastern, 0.016%; no homozygotes.

Submissions (2):

Blueprint Genetics
Classification: Uncertain significance. Last evaluated: 2023-09-04. Review status: criteria provided, single submitter. Criteria: ACMG Guidelines, 2015. Collection method: clinical testing. Allele origin: germline.

Labcorp Genetics (formerly Invitae), Labcorp
Classification: Uncertain significance. Last evaluated: 2022-11-15. Review status: criteria provided, single submitter. Criteria: Invitae Variant Classification Sherloc (09022015). Collection method: clinical testing. Allele origin: germline.
Comment: In summary, the available evidence is currently insufficient to determine the role of this variant in disease. Therefore, it has been classified as a Variant of Uncertain Significance. Advanced modeling of protein sequence and biophysical properties (such as structural, functional, and spatial information, amino acid conservation, physicochemical variation, residue mobility, and thermodynamic stability) performed at Invitae indicates that this missense variant is not expected to disrupt RHO protein function. This variant has not been reported in the literature in individuals affected with RHO-related conditions. This variant is present in population databases (rs200894277, gnomAD 0.003%). This sequence change replaces alanine, which is neutral and non-polar, with threonine, which is neutral and polar, at codon 269 of the RHO protein (p.Ala269Thr).

NM_000539.3(RHO):c.805G>A (p.Ala269Thr)

Gene: RHO (rhodopsin; plus strand). Cytogenetic location: 3q22.1.
Variant type: single nucleotide variant.
Coding change: c.805G>A on transcript NM_000539.3 (MANE Select); coding-DNA position 805, G replaced by A.
Protein change: p.Ala269Thr; replaces alanine 269 with threonine.
Molecular consequence: missense variant.
Genome position (GRCh38, 1-based): chr3:129,532,641, G>A. VCF-style: chr3-129532641-G-A. GRCh37 (hg19) VCF-style: chr3-129251484-G-A.
Other names: short protein forms A269T.
Identifiers: ClinVar variation 2019867 (VCV002019867.5), dbSNP rs200894277, ClinGen allele CA2607290.